The following is an entry in ClinVar:

ClinVar aggregate classification (germline): Likely pathogenic (1 of 4 stars; one submission).

Conditions:
Hyperammonemia, type III (NAGSD). Also called: Hyperammonemia due to N-acetylglutamate synthase deficiency. Identifiers: Orphanet 927, MedGen C0268543, MONDO:0009377, OMIM 237310.

Submission:

3billion
Classification: Likely pathogenic for Hyperammonemia, type III. Last evaluated: 2024-06-28. Review status: criteria provided, single submitter. Criteria: ACMG Guidelines, 2015. Collection method: clinical testing. Allele origin: germline. Affected: yes.
Comment: The variant is not observed in the gnomAD v4.0.0 dataset. Predicted Consequence/Location: Stop-gained (nonsense): predicted to result in a loss or disruption of normal protein function through nonsense-mediated decay (NMD) or protein truncation. Multiple pathogenic variants are reported downstream of the variant. Therefore, this variant is classified as Likely pathogenic according to the recommendation of ACMG/AMP guideline.

NM_153006.3(NAGS):c.189C>G (p.Tyr63Ter)

Gene: NAGS (N-acetylglutamate synthase; plus strand). Cytogenetic location: 17q21.31.
Variant type: single nucleotide variant.
Coding change: c.189C>G on transcript NM_153006.3 (MANE Select); coding-DNA position 189, C replaced by G.
Protein change: p.Tyr63Ter; replaces tyrosine 63 with a stop codon.
Molecular consequence: nonsense.
Genome position (GRCh38, 1-based): chr17:44,004,852, C>G. VCF-style: chr17-44004852-C-G. GRCh37 (hg19) VCF-style: chr17-42082220-C-G.
Other names: short protein forms Y63*.
Identifiers: ClinVar variation 4293345 (VCV004293345.1).